The following is an entry in ClinVar:

ClinVar aggregate classification (germline): Pathogenic. Review status: criteria provided, multiple submitters, no conflicts (2 of 4 stars). 5 submissions from 5 submitters: Pathogenic (5). Last evaluated 2025-11-01.

Conditions:
Ataxia-telangiectasia syndrome (AT). Also called: LOUIS-BAR SYNDROME; Cerebello-oculocutaneous telangiectasia; Immunodeficiency with ataxia telangiectasia; Ataxia telangiectasia (A-T); Ataxia-telangiectasia, complementation group D; AT, COMPLEMENTATION GROUP C. Identifiers: Orphanet 100, MedGen C0004135, MONDO:0008840, OMIM 208900.
Familial cancer of breast. Also called: BREAST CANCER, FAMILIAL; Hereditary breast cancer; hereditary breast carcinoma. Identifiers: Orphanet 227535, MedGen C0346153, MONDO:0016419, OMIM 114480. Disease mechanism: loss of function.
Hereditary cancer-predisposing syndrome. Also called: Tumor predisposition; Neoplastic Syndromes, Hereditary; Hereditary Cancer Syndrome; Hereditary neoplastic syndrome. Identifiers: Orphanet 140162, MedGen C0027672, MeSH D009386, MONDO:0015356.

Submissions (5):

CeGaT Center for Human Genetics Tuebingen
Classification: Pathogenic. Last evaluated: 2025-11-01. Review status: criteria provided, single submitter. Criteria: CeGaT Center For Human Genetics Tuebingen Variant Classification Criteria Version 2. Collection method: clinical testing. Allele origin: germline. Affected: yes. Observed: 1 variant allele.
Comment: ATM: PVS1, PM2

Labcorp Genetics (formerly Invitae), Labcorp
Classification: Pathogenic for Ataxia-telangiectasia syndrome. Last evaluated: 2024-07-06. Review status: criteria provided, single submitter. Criteria: Invitae Variant Classification Sherloc (09022015). Collection method: clinical testing. Allele origin: germline.
Comment: This sequence change creates a premature translational stop signal (p.Gln2108*) in the ATM gene. It is expected to result in an absent or disrupted protein product. Loss-of-function variants in ATM are known to be pathogenic (PMID: 23807571, 25614872). This variant is not present in population databases (gnomAD no frequency). This variant has not been reported in the literature in individuals affected with ATM-related conditions. For these reasons, this variant has been classified as Pathogenic.

Myriad Genetics, Inc.
Classification: Pathogenic for Familial cancer of breast. Last evaluated: 2024-01-29. Review status: criteria provided, single submitter. Criteria: Myriad Autosomal Dominant, Autosomal Recessive and X-Linked Classification Criteria (2023). Collection method: clinical testing. Allele origin: unknown.
Comment: This variant is considered pathogenic. This variant creates a termination codon and is predicted to result in premature protein truncation.

Ambry Genetics
Classification: Pathogenic for Hereditary cancer-predisposing syndrome. Last evaluated: 2024-01-15. Review status: criteria provided, single submitter. Criteria: Ambry Variant Classification Scheme 2023. Collection method: clinical testing. Allele origin: germline.
Comment: The p.Q2108* pathogenic mutation (also known as c.6322C>T), located in coding exon 42 of the ATM gene, results from a C to T substitution at nucleotide position 6322. This changes the amino acid from a glutamine to a stop codon within coding exon 42. This variant is considered to be rare based on population cohorts in the Genome Aggregation Database (gnomAD). This alteration is expected to result in loss of function by premature protein truncation or nonsense-mediated mRNA decay. As such, this alteration is interpreted as a disease-causing mutation.

Color Diagnostics, LLC DBA Color Health
Classification: Pathogenic for Hereditary cancer-predisposing syndrome. Last evaluated: 2022-07-11. Review status: criteria provided, single submitter. Criteria: ACMG Guidelines, 2015. Collection method: clinical testing. Allele origin: germline.
Comment: This variant changes 1 nucleotide in exon 43 of the ATM gene, creating a premature translation stop signal. This variant is expected to result in an absent or non-functional protein product. To our knowledge, this variant has not been reported in individuals affected with hereditary cancer in the literature. This variant has not been identified in the general population by the Genome Aggregation Database (gnomAD). Loss of ATM function is a known mechanism of disease. Based on the available evidence, this variant is classified as Pathogenic.

Literature cited by the submitters: PubMed 23807571 (cited by Labcorp Genetics (formerly Invitae), Labcorp); PubMed 25614872 (cited by Labcorp Genetics (formerly Invitae), Labcorp).

NM_000051.4(ATM):c.6322C>T (p.Gln2108Ter)

Genes: ATM (ATM serine/threonine kinase; plus strand), C11orf65 (chromosome 11 open reading frame 65; minus strand). Cytogenetic location: 11q22.3.
Variant type: single nucleotide variant.
Coding change: c.6322C>T on transcript NM_000051.4 (MANE Select); coding-DNA position 6322, C replaced by T.
Protein change: p.Gln2108Ter; replaces glutamine 2108 with a stop codon.
Molecular consequence: nonsense. On other transcripts: intron variant (2).
Genome position (GRCh38, 1-based): chr11:108,317,496, C>T. VCF-style: chr11-108317496-C-T. GRCh37 (hg19) VCF-style: chr11-108188223-C-T.
Other names: c.6322C>T, p.Gln2108Ter (NM_001351834.2); c.641-8425G>A (NM_001330368.2); c.*39-8425G>A (NM_001351110.2); short protein forms Q2108*.
Identifiers: ClinVar variation 2774695 (VCV002774695.11), dbSNP rs1591790165, ClinGen allele CA382552218.